The following is an entry in ClinVar:

ClinVar aggregate classification (germline): Likely benign. Review status: criteria provided, multiple submitters, no conflicts (2 of 4 stars). 2 submissions from 2 submitters: Likely benign (2). Last evaluated 2024-02-01.

Conditions:
Cardiovascular phenotype. Identifiers: MedGen CN230736.

Submissions (2):

CeGaT Center for Human Genetics Tuebingen
Classification: Likely benign. Last evaluated: 2024-02-01. Review status: criteria provided, single submitter. Criteria: CeGaT Center For Human Genetics Tuebingen Variant Classification Criteria Version 2. Collection method: clinical testing. Allele origin: germline. Affected: yes. Observed: 1 variant allele.
Comment: KCNH2: PM2:Supporting, BP4, BP7

Ambry Genetics
Classification: Likely benign for Cardiovascular phenotype. Last evaluated: 2021-03-04. Review status: criteria provided, single submitter. Criteria: Ambry Variant Classification Scheme 2023. Collection method: clinical testing. Allele origin: germline.

NM_000238.4(KCNH2):c.3093T>G (p.Gly1031=)

Gene: KCNH2 (potassium voltage-gated channel subfamily H member 2; minus strand). Cytogenetic location: 7q36.1.
Variant type: single nucleotide variant.
Coding change: c.3093T>G on transcript NM_000238.4 (MANE Select); coding-DNA position 3093, T replaced by G.
Protein change: p.Gly1031=; no amino-acid change (glycine 1031 retained).
Molecular consequence: synonymous variant. On other transcripts: non-coding transcript variant (2).
Genome position (GRCh38, 1-based): chr7:150,947,387, A>C on the plus strand (T>G on the coding strand, the complement: KCNH2 is on the minus strand). VCF-style: chr7-150947387-A-C. GRCh37 (hg19) VCF-style: chr7-150644475-A-C.
Other names: c.2805T>G, p.Gly935= (NM_001406753.1); c.2073T>G, p.Gly691= (NM_172057.3).
Identifiers: ClinVar variation 1727488 (VCV001727488.24), dbSNP rs2486004224, ClinGen allele CA458644852.